The following is an entry in ClinVar:

ClinVar aggregate classification (germline): Pathogenic. Review status: criteria provided, multiple submitters, no conflicts (2 of 4 stars). 3 submissions from 3 submitters: Pathogenic (3). Last evaluated 2023-10-14.

Conditions:
Polycystic kidney disease. Also called: Polycystic kidney dysplasia; Kidney, Polycystic. Identifiers: MedGen C0022680, MeSH D007690, MONDO:0020642, HP:0000113.
Encephalocele. Also called: Bifid cranium; Cranial meningoencephalocele; Craniocele. Identifiers: MedGen C4551722, HP:0002084.
COACH syndrome 2. Identifiers: MedGen C5436837, MONDO:0030859, OMIM 619111.
Meckel syndrome, type 6. Identifiers: Orphanet 564, MedGen C2676790, MONDO:0012848, OMIM 612284.
Joubert syndrome 9 (JBTS9). Identifiers: Orphanet 2318, MedGen C2676788, MONDO:0012849, OMIM 612285.
Retinitis pigmentosa 93. Identifiers: MedGen C5676970, MONDO:0030797, OMIM 619845.
Joubert syndrome. Also called: JOUBERT-BOLTSHAUSER SYNDROME; Familial aplasia of the vermis. Identifiers: Orphanet 475, MedGen C5979921, MONDO:0018772.
Meckel-Gruber syndrome. Also called: Dysencephalia splachnocystica; DYSENCEPHALIA SPLANCHNOCYSTICA; GRUBER SYNDROME. Identifiers: Orphanet 564, MedGen C0265215, MONDO:0018921.

Submissions (3):

Labcorp Genetics (formerly Invitae), Labcorp
Classification: Pathogenic for Joubert syndrome; Meckel-Gruber syndrome. Last evaluated: 2023-10-14. Review status: criteria provided, single submitter. Criteria: Invitae Variant Classification Sherloc (09022015). Collection method: clinical testing. Allele origin: germline.
Comment: This sequence change creates a premature translational stop signal (p.Leu1098*) in the CC2D2A gene. It is expected to result in an absent or disrupted protein product. Loss-of-function variants in CC2D2A are known to be pathogenic (PMID: 19777577). This variant is not present in population databases (gnomAD no frequency). This premature translational stop signal has been observed in individual(s) with CC2D2A-related conditions (PMID: 31680349). In at least one individual the data is consistent with being in trans (on the opposite chromosome) from a pathogenic variant. ClinVar contains an entry for this variant (Variation ID: 978624). For these reasons, this variant has been classified as Pathogenic.

Center for Reproductive Medicine, Peking University Third Hospital
Classification: Pathogenic for Encephalocele; Polycystic kidney disease. Last evaluated: 2019-10-16. Review status: criteria provided, single submitter. Criteria: ACMG Guidelines, 2015. Collection method: clinical testing. Allele origin: germline. Affected: yes.

Juno Genomics, Hangzhou Juno Genomics, Inc
Classification: Pathogenic for COACH syndrome 2; Joubert syndrome 9; Meckel syndrome, type 6; Retinitis pigmentosa 93. Review status: criteria provided, single submitter. Criteria: ACMG Guidelines, 2015. Collection method: clinical testing. Allele origin: germline.
Comment: Absent from controls (or at extremely low frequency if recessive) in Genome Aggregation Database.;Null variant in a gene where loss of function (LOF) is a known mechanism of disease.;For recessive disorders, detected in trans with a pathogenic variant.

Literature cited by the submitters: PubMed 19777577 (cited by Labcorp Genetics (formerly Invitae), Labcorp); PubMed 31680349 (cited by Labcorp Genetics (formerly Invitae), Labcorp and Center for Reproductive Medicine, Peking University Third Hospital); PubMed 26862157 (cited by Center for Reproductive Medicine, Peking University Third Hospital).

NM_001378615.1(CC2D2A):c.3293T>G (p.Leu1098Ter)

Genes: CC2D2A (coiled-coil and C2 domain containing 2A; plus strand), FBXL5 (F-box and leucine rich repeat protein 5; minus strand). Cytogenetic location: 4p15.32.
Variant type: single nucleotide variant.
Coding change: c.3293T>G on transcript NM_001378615.1 (MANE Select); coding-DNA position 3293, T replaced by G.
Protein change: p.Leu1098Ter; replaces leucine 1098 with a stop codon.
Molecular consequence: nonsense.
Genome position (GRCh38, 1-based): chr4:15,567,681, T>G. VCF-style: chr4-15567681-T-G. GRCh37 (hg19) VCF-style: chr4-15569304-T-G.
Other names: c.3293T>G, p.Leu1098Ter (NM_001080522.2); c.3146T>G, p.Leu1049Ter (NM_001378617.1); short protein forms L1049*, L1098*.
Identifiers: ClinVar variation 978624 (VCV000978624.6), dbSNP rs1719950579, ClinGen allele CA356418538.
Genomic context (GRCh38, chr4:15,567,681, plus strand): 5'-AGAATAAAATAATTTGACTAACCATTGGGAACTCAGAATTTGCTCTTGATTTTAAGGTTT[T>G]AGTACGTCCCTTTGTAGAAGTCTCTTTTCAACGAACAGTTTGCCATACGACTACGGCTGA-3'